The following is an entry in ClinVar:

NM_138420.4(AHNAK2):c.2608T>C (p.Ser870Pro)

Gene: AHNAK2 (AHNAK nucleoprotein 2; minus strand). Cytogenetic location: 14q32.33.
Variant type: single nucleotide variant.
Coding change: c.2608T>C on transcript NM_138420.4 (MANE Select); coding-DNA position 2608, T replaced by C.
Protein change: p.Ser870Pro; replaces serine 870 with proline.
Molecular consequence: missense variant.
Genome position (GRCh38, 1-based): chr14:104,952,843, A>G on the plus strand (T>C on the coding strand, the complement: AHNAK2 is on the minus strand). VCF-style: chr14-104952843-A-G. GRCh37 (hg19) VCF-style: chr14-105419180-A-G.
Other names: c.2308T>C, p.Ser770Pro (NM_001350929.2); short protein forms S770P, S870P.
Identifiers: ClinVar variation 2644878 (VCV002644878.24), dbSNP rs200377778, ClinGen allele CA7383413.

ClinVar aggregate classification (germline): Benign (1 of 4 stars; one submission).

Allele frequency attached by ClinVar (database versions not stated): gnomAD exomes 0.00043; ExAC 0.00131; 1000 Genomes Project 0.00280; 1000 Genomes Project 30x 0.00359.

Submission:

CeGaT Center for Human Genetics Tuebingen
Classification: Benign. Last evaluated: 2022-12-01. Review status: criteria provided, single submitter. Criteria: CeGaT Center For Human Genetics Tuebingen Variant Classification Criteria Version 2. Collection method: clinical testing. Allele origin: germline. Affected: yes. Observed: 2 variant alleles.
Comment: AHNAK2: BS1, BS2